The following is an entry in ClinVar:

ClinVar aggregate classification (germline): Uncertain significance. Review status: criteria provided, multiple submitters, no conflicts (2 of 4 stars). 2 submissions from 2 submitters: Uncertain significance (2). Last evaluated 2025-11-18.

Allele frequency attached by ClinVar (database versions not stated): ExAC 0.00005; ESP Exome Variant Server 0.00008; 1000 Genomes Project 30x 0.00016; 1000 Genomes Project 0.00020; TOPMed 0.00007; gnomAD 0.00003.

Submissions (2):

Labcorp Genetics (formerly Invitae), Labcorp
Classification: Uncertain significance. Last evaluated: 2025-11-18. Review status: criteria provided, single submitter. Criteria: Invitae Variant Classification Sherloc (09022015). Collection method: clinical testing. Allele origin: germline.
Comment: This sequence change replaces arginine, which is basic and polar, with tryptophan, which is neutral and slightly polar, at codon 1806 of the FBN3 protein (p.Arg1806Trp). This variant is present in population databases (rs370586224, gnomAD 0.06%). This variant has not been reported in the literature in individuals affected with FBN3-related conditions. ClinVar contains an entry for this variant (Variation ID: 2912427). An algorithm developed to predict the effect of missense changes on protein structure and function outputs the following: PolyPhen-2: "Probably Damaging". The tryptophan amino acid residue is found in multiple mammalian species, which suggests that this missense change does not adversely affect protein function. In summary, the available evidence is currently insufficient to determine the role of this variant in disease. Therefore, it has been classified as a Variant of Uncertain Significance.

Ambry Genetics
Classification: Uncertain significance. Last evaluated: 2022-06-01. Review status: criteria provided, single submitter. Criteria: Ambry Variant Classification Scheme 2023. Collection method: clinical testing. Allele origin: germline.

NM_032447.5(FBN3):c.5416C>T (p.Arg1806Trp)

Gene: FBN3 (fibrillin 3; minus strand). Cytogenetic location: 19p13.2.
Variant type: single nucleotide variant.
Coding change: c.5416C>T on transcript NM_032447.5 (MANE Select); coding-DNA position 5416, C replaced by T.
Protein change: p.Arg1806Trp; replaces arginine 1806 with tryptophan.
Molecular consequence: missense variant.
Genome position (GRCh38, 1-based): chr19:8,096,567, G>A on the plus strand (C>T on the coding strand, the complement: FBN3 is on the minus strand). VCF-style: chr19-8096567-G-A. GRCh37 (hg19) VCF-style: chr19-8161451-G-A.
Other names: c.5416C>T (NM_032447.3); c.5416C>T, p.Arg1806Trp (NM_001321431.2); short protein forms R1806W.
Identifiers: ClinVar variation 2912427 (VCV002912427.4), dbSNP rs370586224, ClinGen allele CA9151658.